The following is an entry in ClinVar:

NM_016188.5(ACTL6B):c.1016C>T (p.Pro339Leu)

Gene: ACTL6B (actin like 6B; minus strand). Cytogenetic location: 7q22.1.
Variant type: single nucleotide variant.
Coding change: c.1016C>T on transcript NM_016188.5 (MANE Select); coding-DNA position 1016, C replaced by T.
Protein change: p.Pro339Leu; replaces proline 339 with leucine.
Molecular consequence: missense variant. On other transcripts: non-coding transcript variant (1).
Genome position (GRCh38, 1-based): chr7:100,646,752, G>A on the plus strand (C>T on the coding strand, the complement: ACTL6B is on the minus strand). VCF-style: chr7-100646752-G-A. GRCh37 (hg19) VCF-style: chr7-100244375-G-A.
Other names: short protein forms P339L.
Identifiers: ClinVar variation 2431404 (VCV002431404.3), dbSNP rs1391385086, ClinGen allele CA368542453.

ClinVar aggregate classification (germline): Uncertain significance. Review status: criteria provided, multiple submitters, no conflicts (2 of 4 stars). 2 submissions from 2 submitters: Uncertain significance (2). Last evaluated 2026-08-06.

Conditions:
Developmental and epileptic encephalopathy, 76. Also called: EPILEPTIC ENCEPHALOPATHY, EARLY INFANTILE, 76; DEVELOPMENTAL DELAY, EPILEPTIC ENCEPHALOPATHY, CEREBRAL ATROPHY, AND ABNORMAL MYELINATION. Identifiers: MedGen C5193113, MONDO:0032768, OMIM 618468.

Allele frequency attached by ClinVar (database versions not stated): TOPMed below 0.00001; gnomAD 0.00001.
gnomAD v4.1: 1 of 1,612,440 alleles (0.000062%); highest among the groups gnomAD compares: Non-Finnish European, 0.000085%; no homozygotes.

Submissions (2):

OLLIN Analises Genomicas, OLLIN
Classification: Uncertain significance for Developmental and epileptic encephalopathy, 76. Last evaluated: 2026-08-06. Review status: criteria provided, single submitter. Criteria: ACMG Guidelines 2015 PMID 25741868. Collection method: clinical testing. Allele origin: germline. Inheritance: Autosomal recessive inheritance.
Comment: This missense variant, located in exon 11 (of 14), has been reported in ClinVar (accession VCV002431404.2) and in gnomAD with an allele frequency of 0.000062%. However, to our knowledge, it has not been reported in the scientific literature. In silico analysis predicts that this variant has a deleterious effect. This gene is constrained for missense variation. According to the currently available evidence, this variant has been classified as uncertain significance (PP2, PP3).

Laboratorio de Genetica e Diagnostico Molecular, Hospital Israelita Albert Einstein
Classification: Uncertain significance for Developmental and epileptic encephalopathy, 76. Last evaluated: 2022-08-02. Review status: criteria provided, single submitter. Criteria: ACMG Guidelines, 2015. Collection method: clinical testing. Allele origin: germline. Affected: yes.
Comment: ACMG classification criteria: PM2 supporting, PP2 supporting, PP3 supporting